The following is an entry in ClinVar:

NM_001142800.2(EYS):c.3319C>T (p.Arg1107Cys)

Gene: EYS (EGF-like photoreceptor maintenance factor; minus strand). Cytogenetic location: 6q12.
Variant type: single nucleotide variant.
Coding change: c.3319C>T on transcript NM_001142800.2 (MANE Select); coding-DNA position 3319, C replaced by T.
Protein change: p.Arg1107Cys; replaces arginine 1107 with cysteine.
Molecular consequence: missense variant.
Genome position (GRCh38, 1-based): chr6:64,813,502, G>A on the plus strand (C>T on the coding strand, the complement: EYS is on the minus strand). VCF-style: chr6-64813502-G-A. GRCh37 (hg19) VCF-style: chr6-65523395-G-A.
Other names: c.3319C>T (NM_001142800.1); c.3319C>T, p.Arg1107Cys (NM_001292009.2); short protein forms R1107C.
Identifiers: ClinVar variation 990048 (VCV000990048.6), dbSNP rs766897712, ClinGen allele CA3877175.

ClinVar aggregate classification (germline): Uncertain significance. Review status: criteria provided, multiple submitters, no conflicts (2 of 4 stars). 4 submissions from 4 submitters: Uncertain significance (3). 1 of the submissions does not count toward it. Last evaluated 2025-07-12.

Conditions:
Inborn genetic diseases. Identifiers: MedGen C0950123, MeSH D030342.
Autosomal recessive retinitis pigmentosa. Identifiers: MedGen C0339526.

Allele frequency attached by ClinVar (database versions not stated): TOPMed 0.00006; ExAC 0.00033.

Submissions (4):

GeneDx
Classification: Uncertain significance. Last evaluated: 2025-07-12. Review status: criteria provided, single submitter. Criteria: GeneDx Variant Classification Process June 2021. Collection method: clinical testing. Allele origin: germline. Affected: yes.
Comment: In silico analysis suggests that this missense variant does not alter protein structure/function; Has not been previously published as pathogenic or benign to our knowledge

Ambry Genetics
Classification: Uncertain significance for Inborn genetic diseases. Last evaluated: 2025-03-27. Review status: criteria provided, single submitter. Criteria: Ambry Variant Classification Scheme 2023. Collection method: clinical testing. Allele origin: germline.

Labcorp Genetics (formerly Invitae), Labcorp
Classification: Uncertain significance. Last evaluated: 2021-12-31. Review status: criteria provided, single submitter. Criteria: Invitae Variant Classification Sherloc (09022015). Collection method: clinical testing. Allele origin: germline.
Comment: This sequence change replaces arginine, which is basic and polar, with cysteine, which is neutral and slightly polar, at codon 1107 of the EYS protein (p.Arg1107Cys). This variant is present in population databases (rs766897712, gnomAD 0.06%). This variant has not been reported in the literature in individuals affected with EYS-related conditions. ClinVar contains an entry for this variant (Variation ID: 990048). Algorithms developed to predict the effect of missense changes on protein structure and function (SIFT, PolyPhen-2, Align-GVGD) all suggest that this variant is likely to be tolerated. In summary, the available evidence is currently insufficient to determine the role of this variant in disease. Therefore, it has been classified as a Variant of Uncertain Significance.

Natera, Inc.
Classification: Uncertain significance for Autosomal recessive retinitis pigmentosa. Last evaluated: 2020-10-20. Review status: no assertion criteria provided. Collection method: clinical testing. Allele origin: germline. Not counted in ClinVar's aggregate classification.